The following is an entry in ClinVar:

ClinVar aggregate classification (germline): Uncertain significance (1 of 4 stars; one submission).

Conditions:
Gorlin syndrome. Also called: Nevoid Basal Cell Carcinoma Syndrome; Basal cell nevus syndrome. Identifiers: Orphanet 377, MedGen C0004779, MONDO:0007187.

Allele frequency attached by ClinVar (database versions not stated): gnomAD exomes below 0.00001; gnomAD 0.00001; TOPMed 0.00001.
gnomAD v4.1: 3 of 1,613,844 alleles (0.00019%); highest among the groups gnomAD compares: Non-Finnish European, 0.00025%; no homozygotes.

Submission:

Labcorp Genetics (formerly Invitae), Labcorp
Classification: Uncertain significance for Gorlin syndrome. Last evaluated: 2023-12-27. Review status: criteria provided, single submitter. Criteria: Invitae Variant Classification Sherloc (09022015). Collection method: clinical testing. Allele origin: germline.
Comment: This sequence change replaces leucine, which is neutral and non-polar, with proline, which is neutral and non-polar, at codon 789 of the PTCH2 protein (p.Leu789Pro). This variant is present in population databases (no rsID available, gnomAD 0.0009%). This variant has not been reported in the literature in individuals affected with PTCH2-related conditions. Advanced modeling of protein sequence and biophysical properties (such as structural, functional, and spatial information, amino acid conservation, physicochemical variation, residue mobility, and thermodynamic stability) performed at Invitae indicates that this missense variant is expected to disrupt PTCH2 protein function with a positive predictive value of 80%. In summary, the available evidence is currently insufficient to determine the role of this variant in disease. Therefore, it has been classified as a Variant of Uncertain Significance.

NM_003738.5(PTCH2):c.2366T>C (p.Leu789Pro)

Gene: PTCH2 (patched 2; minus strand). Cytogenetic location: 1p34.1.
Variant type: single nucleotide variant.
Coding change: c.2366T>C on transcript NM_003738.5 (MANE Select); coding-DNA position 2366, T replaced by C.
Protein change: p.Leu789Pro; replaces leucine 789 with proline.
Molecular consequence: missense variant.
Genome position (GRCh38, 1-based): chr1:44,827,407, A>G on the plus strand (T>C on the coding strand, the complement: PTCH2 is on the minus strand). VCF-style: chr1-44827407-A-G. GRCh37 (hg19) VCF-style: chr1-45293079-A-G.
Other names: c.2366T>C, p.Leu789Pro (NM_001166292.2); short protein forms L789P.
Identifiers: ClinVar variation 2723426 (VCV002723426.3), dbSNP rs1271044457, ClinGen allele CA340095875.
Genomic context (GRCh38, chr1:44,827,407, plus strand): 5'-CCCCAGGGCGTTTCTCCCTGCAGCACCCCTCCCTGCCCGTCTCCTCGCCTCTCACCCTGT[A>G]GCCAGTTGCGGTAATAGTGCAGCCAGGTGCGGGGTGCCTGGGTGGCCGGTGGGGGCAGCA-3'
Protein context (NP_003729.3, residues 779-799): RTWLHYYRNW[Leu789Pro]QGIQAAFDQD